The following is an entry in ClinVar:

ClinVar aggregate classification (germline): Uncertain significance. Review status: criteria provided, multiple submitters, no conflicts (2 of 4 stars). 2 submissions from 2 submitters: Uncertain significance (2). Last evaluated 2026-08-14.

Conditions:
Hereditary cancer-predisposing syndrome. Also called: Hereditary Cancer Syndrome; Hereditary neoplastic syndrome; Neoplastic Syndromes, Hereditary; Tumor predisposition. Identifiers: Orphanet 140162, MedGen C0027672, MeSH D009386, MONDO:0015356.
Familial adenomatous polyposis 1 (FAP1). Also called: POLYPOSIS, ADENOMATOUS INTESTINAL; FAMILIAL ADENOMATOUS POLYPOSIS 1, ATTENUATED. Identifiers: MedGen C2713442, MONDO:0021056, OMIM 175100. Disease mechanism: loss of function.

Submissions (2):

Ambry Genetics
Classification: Uncertain significance for Hereditary cancer-predisposing syndrome. Last evaluated: 2026-08-14. Review status: criteria provided, single submitter. Criteria: Ambry Variant Classification Scheme 2023. Collection method: clinical testing. Allele origin: germline.
Comment: The c.448_450delAAA variant (also known as p.K150del) is located in coding exon 4 of the APC gene. This variant results from an in-frame AAA deletion at nucleotide positions 448 to 450. This results in the in-frame deletion of a lysine at codon 150. This amino acid position is highly conserved in available vertebrate species. In addition, this variant is predicted to be deleterious by in silico analysis (Choi Y et al. PLoS ONE. 2012; 7(10):e46688). Based on the available evidence, the clinical significance of this variant remains unclear.

Labcorp Genetics (formerly Invitae), Labcorp
Classification: Uncertain significance for Familial adenomatous polyposis 1. Last evaluated: 2024-11-05. Review status: criteria provided, single submitter. Criteria: Invitae Variant Classification Sherloc (09022015). Collection method: clinical testing. Allele origin: germline.
Comment: This variant, c.448_450del, results in the deletion of 1 amino acid(s) of the APC protein (p.Lys150del), but otherwise preserves the integrity of the reading frame. This variant is not present in population databases (gnomAD no frequency). This variant has not been reported in the literature in individuals affected with APC-related conditions. ClinVar contains an entry for this variant (Variation ID: 2870568). Experimental studies and prediction algorithms are not available or were not evaluated, and the functional significance of this variant is currently unknown. In summary, the available evidence is currently insufficient to determine the role of this variant in disease. Therefore, it has been classified as a Variant of Uncertain Significance.

NM_000038.6(APC):c.448_450del (p.Lys150del)

Gene: APC (APC regulator of Wnt signaling pathway; plus strand). Cytogenetic location: 5q22.2.
Variant type: Deletion.
Coding change: c.448_450del on transcript NM_000038.6 (MANE Select); coding-DNA positions 448 to 450, 3 bases deleted (AAA; older notation c.448_450delAAA).
Protein change: p.Lys150del; deletes lysine 150.
Molecular consequence: inframe deletion. On other transcripts: 5 prime UTR variant (4), non-coding transcript variant (2).
Genome position (GRCh38, 1-based): chr5:112,775,654-112,775,656, AAA deleted. VCF-style (leftmost placement, unchanged base first): chr5-112775653-CAAA-C. GRCh37 (hg19) VCF-style: chr5-112111350-CAAA-C.
Other names: c.448_450delAAA (NM_000038.5); c.478_480del, p.Lys160del (NM_001127511.3, NM_001354897.2, NM_001354902.2 and 1 more transcripts); c.448_450del, p.Lys150del (NM_001354895.2, NM_001354896.2, NM_001354899.2 and 16 more transcripts); c.373_375del, p.Lys125del (NM_001354898.2, NM_001407451.1, NM_001354904.2); c.271_273del, p.Lys91del (NM_001354900.2, NM_001354901.2, NM_001407453.1 and 1 more transcripts); c.-588_-586del (NM_001354906.2, NM_001407470.1, NM_001407471.1 and 1 more transcripts); short protein forms K160del, K91del, K125del, K150del.
Identifiers: ClinVar variation 2870568 (VCV002870568.4), dbSNP rs2532411930, ClinGen allele CA2739274968.